The following is an entry in ClinVar:

ClinVar aggregate classification (germline): Uncertain significance (1 of 4 stars; one submission).

Submission:

GeneDx
Classification: Uncertain significance. Last evaluated: 2024-09-26. Review status: criteria provided, single submitter. Criteria: GeneDx Variant Classification Process June 2021. Collection method: clinical testing. Allele origin: germline. Affected: yes.
Comment: Not observed at significant frequency in large population cohorts (gnomAD); In silico analysis indicates that this missense variant does not alter protein structure/function; Has not been previously published as pathogenic or benign to our knowledge

NM_016120.4(RLIM):c.257G>A (p.Gly86Glu)

Gene: RLIM (ring finger protein, LIM domain interacting; minus strand). Cytogenetic location: Xq13.2.
Variant type: single nucleotide variant.
Coding change: c.257G>A on transcript NM_016120.4 (MANE Select); coding-DNA position 257, G replaced by A.
Protein change: p.Gly86Glu; replaces glycine 86 with glutamic acid.
Molecular consequence: missense variant.
Genome position (GRCh38, 1-based): chrX:74,593,058, C>T on the plus strand (G>A on the coding strand, the complement: RLIM is on the minus strand). VCF-style: chrX-74593058-C-T. GRCh37 (hg19) VCF-style: chrX-73812893-C-T.
Other names: c.257G>A, p.Gly86Glu (NM_183353.3); short protein forms G86E.
Identifiers: ClinVar variation 3774995 (VCV003774995.1).